The following is an entry in ClinVar:

ClinVar aggregate classification (germline): Uncertain significance (1 of 4 stars; one submission).

Conditions:
KMT2C-related disorder. Also called: KMT2C-related condition; KMT2C-related disorders.

Submission:

PreventionGenetics, part of Exact Sciences
Classification: Uncertain significance for KMT2C-related condition. Last evaluated: 2025-08-25. Review status: criteria provided, single submitter. Criteria: ACMG Guidelines, 2015. Collection method: clinical testing. Allele origin: germline.
Comment: The KMT2C c.13226G>A variant is predicted to result in the amino acid substitution p.Gly4409Asp. To our knowledge, this variant has not been reported in the literature or in a large population database (gnomAD), indicating this variant is rare. At this time, the clinical significance of this variant is uncertain due to the absence of conclusive functional and genetic evidence.

NM_170606.3(KMT2C):c.13226G>A (p.Gly4409Asp)

Gene: KMT2C (lysine methyltransferase 2C; minus strand). Cytogenetic location: 7q36.1.
Variant type: single nucleotide variant.
Coding change: c.13226G>A on transcript NM_170606.3 (MANE Select); coding-DNA position 13226, G replaced by A.
Protein change: p.Gly4409Asp; replaces glycine 4409 with aspartic acid.
Molecular consequence: missense variant.
Genome position (GRCh38, 1-based): chr7:152,148,701, C>T on the plus strand (G>A on the coding strand, the complement: KMT2C is on the minus strand). VCF-style: chr7-152148701-C-T. GRCh37 (hg19) VCF-style: chr7-151845786-C-T.
Other names: short protein forms G4409D.
Identifiers: ClinVar variation 4999870 (VCV004999870.1).
Genomic context (GRCh38, chr7:152,148,701, plus strand): 5'-TGGACCCACAGATCCAAGTCAAGGTTGAGTAGCCTTGCTGGTCCATCTGTCAATCCATCA[C>T]CTTCTTCATGACAAAAGCAACATTTCCGATAGTCTTTGGGCACAGGATCAGGTTTAAGGG-3'
Protein context (NP_733751.2, residues 4399-4419): YRKCCFCHEE[Gly4409Asp]DGLTDGPARL